The following is an entry in ClinVar:

NM_000490.5(AVP):c.229GAG[1] (p.Glu78del)

Gene: AVP (arginine vasopressin; minus strand). Cytogenetic location: 20p13.
Variant type: Microsatellite.
Coding change: c.229GAG[1] on transcript NM_000490.5 (MANE Select); one copy of the 3-base unit GAG starting at c.229; the reference has two copies in a row; one copy, 3 bases deleted; also written c.232_234del.
Protein change: p.Glu78del; deletes glutamic acid 78.
Molecular consequence: inframe deletion.
Genome position (GRCh38, 1-based): chr20:3,083,065-3,083,067, CTC deleted on the plus strand (GAG on the coding strand, the reverse complement: AVP is on the minus strand); deleting any 3 consecutive bases within chr20:3,083,065-3,083,072 gives the same sequence; the position shown is the placement nearest the transcript's 3' end. VCF-style (leftmost placement, unchanged base first): chr20-3083064-TCTC-T. GRCh37 (hg19) VCF-style: chr20-3063710-TCTC-T.
Other names: c.232_234delGAG (NM_000490.4); c.232_234del (NM_000490.5); short protein forms E78del.
Identifiers: ClinVar variation 976038 (VCV000976038.7), dbSNP rs2066119604, ClinGen allele CA2346405565.
Genomic context (GRCh38, chr20:3,083,064, plus strand): 5'-CGCAGCGGCCCCCGCTCCCGCACGCCTTCTGGCCGGACTGGCAGGGCGACGGCAGGTAGT[TCTC>T]CTCCTGGCAGCGCAGCGCCTCAGCCGTGCCCACGAAGCAGCCCAGCTCGTCCGCGCAGCA-3'

ClinVar aggregate classification (germline): Conflicting classifications of pathogenicity. Review status: criteria provided, conflicting classifications (1 of 4 stars). 6 submissions from 6 submitters: Pathogenic (3); Likely pathogenic (1); Uncertain significance (1). 1 of the submissions does not count toward it. Last evaluated 2026-06-16.

Conditions:
Neurohypophyseal diabetes insipidus. Also called: Diabetes Insipidus, Neurogenic; DIABETES INSIPIDUS, PRIMARY CENTRAL; Hereditary arginine vasopressin deficiency. Identifiers: Orphanet 178029, Orphanet 30925, MedGen C0342394, MONDO:0007450, OMIM 125700.
AVP-related disorder. Also called: AVP-related condition.

Submissions (6):

PreventionGenetics, part of Exact Sciences
Classification: Pathogenic for AVP-related condition. Last evaluated: 2026-06-16. Review status: criteria provided, single submitter. Criteria: ACMG Guidelines, 2015. Collection method: clinical testing. Allele origin: germline.
Comment: The AVP c.232_234delGAG variant is predicted to result in an in-frame deletion (p.Glu78del). This variant was reported as pathogenic for neurohypophyseal diabetes insipidus (described as p.Glu47del, Yuasa et al. 1993. PubMed ID: 8103767; Lee et al. 2008. PubMed ID: 18316776; Christensen et al. 2004. PubMed ID: 14673472; García-Castaño et al. 2020. PubMed ID: 32052034). This variant has not been reported in a large population database (gnomAD), indicating this variant is rare. This variant is interpreted as pathogenic.

Labcorp Genetics (formerly Invitae), Labcorp
Classification: Pathogenic. Last evaluated: 2025-12-19. Review status: criteria provided, single submitter. Criteria: Invitae Variant Classification Sherloc (09022015). Collection method: clinical testing. Allele origin: germline.
Comment: This variant, c.232_234del, results in the deletion of 1 amino acid(s) of the AVP protein (p.Glu78del), but otherwise preserves the integrity of the reading frame. This variant is not present in population databases (gnomAD no frequency). This variant has been observed in individuals with clinical features of familial neurohypophyseal diabetes insipidus (PMID: 8103767, 14673472, 32052034, 34544934). It has also been observed to segregate with disease in related individuals. This variant is also known as 1827_29delAGG, delGlu47. ClinVar contains an entry for this variant (Variation ID: 976038). Algorithms developed to predict the effect of variants on gene product structure and function are not available or were not evaluated for this variant. Experimental studies have shown that this variant affects AVP function (PMID: 19825939). For these reasons, this variant has been classified as Pathogenic.

Fulgent Genetics
Classification: Pathogenic for Neurohypophyseal diabetes insipidus. Last evaluated: 2021-12-28. Review status: criteria provided, single submitter. Criteria: ACMG Guidelines, 2015. Collection method: clinical testing. Allele origin: unknown.

Institute of Human Genetics, University of Leipzig Medical Center
Classification: Likely pathogenic for Neurohypophyseal diabetes insipidus. Last evaluated: 2019-03-18. Review status: criteria provided, single submitter. Criteria: ACMG Guidelines, 2015. Collection method: clinical testing. Allele origin: germline. Affected: yes. Observed: 1 variant allele.

Clinical Genomics, Uppaluri K&H Personalized Medicine Clinic
Classification: Uncertain significance for Neurohypophyseal diabetes insipidus. Review status: criteria provided, single submitter. Criteria: K And H Uppaluri Personalized Medicine Clinic Variant Classification And Assertion Criteria Updated V 2. Collection method: research. Allele origin: unknown. Inheritance: Autosomal dominant inheritance.
Comment: Potent mutations in AVP gene can lead to decreased production of Anti Diuretic hormone which leads to central Diabetes insipidus.However, the role of this particular rs2066119604 variant in Diabetes insipidus is yet to be ascertained.

OMIM
Classification: Pathogenic for DIABETES INSIPIDUS, NEUROHYPOPHYSEAL. Last evaluated: 2002-02-01. Review status: no assertion criteria provided. Collection method: literature only. Allele origin: germline. Not counted in ClinVar's aggregate classification.

Literature cited by the submitters: PubMed 8103767 (cited by Labcorp Genetics (formerly Invitae), Labcorp and OMIM); PubMed 14673472 (cited by Labcorp Genetics (formerly Invitae), Labcorp); PubMed 32052034 (cited by Labcorp Genetics (formerly Invitae), Labcorp); PubMed 34544934 (cited by Labcorp Genetics (formerly Invitae), Labcorp); PubMed 19825939 (cited by Labcorp Genetics (formerly Invitae), Labcorp); PubMed 34718110 (cited by Clinical Genomics, Uppaluri K&H Personalized Medicine Clinic); PubMed 28476225 (cited by Clinical Genomics, Uppaluri K&H Personalized Medicine Clinic); PubMed 16093448 (cited by Clinical Genomics, Uppaluri K&H Personalized Medicine Clinic); PubMed 11836335 (cited by OMIM).